The following is an entry in ClinVar:

NM_001148.6(ANK2):c.8599G>C (p.Ala2867Pro)

Gene: ANK2 (ankyrin 2; plus strand). Cytogenetic location: 4q26.
Variant type: single nucleotide variant.
Coding change: c.8599G>C on transcript NM_001148.6 (MANE Select); coding-DNA position 8599, G replaced by C.
Protein change: p.Ala2867Pro; replaces alanine 2867 with proline.
Molecular consequence: missense variant. On other transcripts: intron variant (68).
Genome position (GRCh38, 1-based): chr4:113,357,217, G>C. VCF-style: chr4-113357217-G-C. GRCh37 (hg19) VCF-style: chr4-114278373-G-C.
Other names: c.8365G>C, p.Ala2789Pro (NM_001386142.1); c.4999G>C, p.Ala1667Pro (NM_001386166.1); c.8740G>C, p.Ala2914Pro (NM_001386174.1); c.8716G>C, p.Ala2906Pro (NM_001386175.1); c.4412-3606G>C (NM_001386186.2, NM_001386148.2); c.4214-3606G>C (NM_001354269.3); c.4292-3606G>C (NM_001386187.2); c.4253-3606G>C (NM_001386147.1); and 35 more; short protein forms A1667P, A2789P, A2867P, A2906P, A2914P.
Identifiers: ClinVar variation 4540283 (VCV004540283.1).

ClinVar aggregate classification (germline): Uncertain significance (1 of 4 stars; one submission).

Submission:

GeneDx
Classification: Uncertain significance. Last evaluated: 2025-06-23. Review status: criteria provided, single submitter. Criteria: GeneDx Variant Classification Process June 2021. Collection method: clinical testing. Allele origin: germline. Affected: yes.
Comment: Not observed at significant frequency in large population cohorts (gnomAD); In silico analysis suggests that this missense variant does not alter protein structure/function; Has not been previously published as pathogenic or benign to our knowledge